The following is an entry in ClinVar:

NM_000455.5(STK11):c.290+18G>A

Gene: STK11 (serine/threonine kinase 11; plus strand). Cytogenetic location: 19p13.3.
Variant type: single nucleotide variant.
Coding change: c.290+18G>A on transcript NM_000455.5 (MANE Select); 18 bases into the intron after coding-DNA position 290, G replaced by A.
Molecular consequence: intron variant.
Genome position (GRCh38, 1-based): chr19:1,207,221, G>A. VCF-style: chr19-1207221-G-A. GRCh37 (hg19) VCF-style: chr19-1207220-G-A.
Identifiers: ClinVar variation 516356 (VCV000516356.12), dbSNP rs757929417, ClinGen allele CA046770.

ClinVar aggregate classification (germline): Likely benign. Review status: criteria provided, multiple submitters, no conflicts (2 of 4 stars). 4 submissions from 4 submitters: Likely benign (4). Last evaluated 2026-01-19.

Conditions:
Hereditary cancer-predisposing syndrome. Also called: Hereditary Cancer Syndrome; Tumor predisposition; Hereditary neoplastic syndrome; Neoplastic Syndromes, Hereditary. Identifiers: Orphanet 140162, MedGen C0027672, MeSH D009386, MONDO:0015356.
Peutz-Jeghers syndrome (PJS). Also called: POLYPOSIS, HAMARTOMATOUS INTESTINAL; POLYPS-AND-SPOTS SYNDROME; Peutz-Jeghers polyposis; Periorificial lentiginosis syndrome. Identifiers: Orphanet 2869, MedGen C0031269, MeSH D010580, MONDO:0008280, OMIM 175200.

Allele frequency attached by ClinVar (database versions not stated): ExAC 0.00004; gnomAD 0.00004 and 0.00005; gnomAD exomes 0.00004; TOPMed 0.00009.
gnomAD v4.1: 15 of 1,585,440 alleles (0.00095%); highest among the groups gnomAD compares: African/African-American, 0.017%; no homozygotes.

Submissions (4):

Labcorp Genetics (formerly Invitae), Labcorp
Classification: Likely benign for Peutz-Jeghers syndrome. Last evaluated: 2026-01-19. Review status: criteria provided, single submitter. Criteria: Invitae Variant Classification Sherloc (09022015). Collection method: clinical testing. Allele origin: germline.

Blueprint Genetics
Classification: Likely benign. Last evaluated: 2024-09-24. Review status: criteria provided, single submitter. Criteria: ACMG Guidelines, 2015. Collection method: clinical testing. Allele origin: germline.

GeneDx
Classification: Likely benign. Last evaluated: 2017-04-28. Review status: criteria provided, single submitter. Criteria: GeneDx Variant Classification (06012015). Collection method: clinical testing. Allele origin: germline. Affected: yes.
Comment: This variant is considered likely benign or benign based on one or more of the following criteria: it is a conservative change, it occurs at a poorly conserved position in the protein, it is predicted to be benign by multiple in silico algorithms, and/or has population frequency not consistent with disease.

Color Diagnostics, LLC DBA Color Health
Classification: Likely benign for Hereditary cancer-predisposing syndrome. Last evaluated: 2016-04-20. Review status: criteria provided, single submitter. Criteria: ACMG Guidelines, 2015. Collection method: clinical testing. Allele origin: germline.